The following is an entry in ClinVar:

ClinVar aggregate classification (germline): Uncertain significance (1 of 4 stars; one submission).

gnomAD v4.1: 3 of 1,614,192 alleles (0.00019%); highest among the groups gnomAD compares: Non-Finnish European, 0.00025%; no homozygotes.

Submission:

Labcorp Genetics (formerly Invitae), Labcorp
Classification: Uncertain significance. Last evaluated: 2024-06-10. Review status: criteria provided, single submitter. Criteria: Invitae Variant Classification Sherloc (09022015). Collection method: clinical testing. Allele origin: germline.
Comment: This sequence change replaces glycine, which is neutral and non-polar, with arginine, which is basic and polar, at codon 3701 of the LRP2 protein (p.Gly3701Arg). This variant is present in population databases (rs778791145, gnomAD 0.0009%). This variant has not been reported in the literature in individuals affected with LRP2-related conditions. Advanced modeling of protein sequence and biophysical properties (such as structural, functional, and spatial information, amino acid conservation, physicochemical variation, residue mobility, and thermodynamic stability) performed at Invitae indicates that this missense variant is not expected to disrupt LRP2 protein function with a negative predictive value of 80%. In summary, the available evidence is currently insufficient to determine the role of this variant in disease. Therefore, it has been classified as a Variant of Uncertain Significance.

NM_004525.3(LRP2):c.11101G>C (p.Gly3701Arg)

Gene: LRP2 (LDL receptor related protein 2; minus strand). Cytogenetic location: 2q31.1.
Variant type: single nucleotide variant.
Coding change: c.11101G>C on transcript NM_004525.3 (MANE Select); coding-DNA position 11101, G replaced by C.
Protein change: p.Gly3701Arg; replaces glycine 3701 with arginine.
Molecular consequence: missense variant.
Genome position (GRCh38, 1-based): chr2:169,173,138, C>G on the plus strand (G>C on the coding strand, the complement: LRP2 is on the minus strand). VCF-style: chr2-169173138-C-G. GRCh37 (hg19) VCF-style: chr2-170029648-C-G.
Other names: short protein forms G3701R.
Identifiers: ClinVar variation 3695045 (VCV003695045.2).